The following is an entry in ClinVar:

NM_002227.4(JAK1):c.1177-25G>A

Gene: JAK1 (Janus kinase 1; minus strand). Cytogenetic location: 1p31.3.
Variant type: single nucleotide variant.
Coding change: c.1177-25G>A on transcript NM_002227.4 (MANE Select); 25 bases into the intron before coding-DNA position 1177, G replaced by A.
Molecular consequence: intron variant.
Genome position (GRCh38, 1-based): chr1:64,860,287, C>T on the plus strand (G>A on the coding strand, the complement: JAK1 is on the minus strand). VCF-style: chr1-64860287-C-T. GRCh37 (hg19) VCF-style: chr1-65325970-C-T.
Other names: c.1177-25G>A (NM_001321852.2, NM_001321854.2, NM_001321853.2 and 4 more transcripts).
Identifiers: ClinVar variation 2628132 (VCV002628132.2), dbSNP rs310224, ClinGen allele CA893007.

ClinVar aggregate classification (germline): Benign (1 of 4 stars; one submission).

Allele frequency attached by ClinVar (database versions not stated): ExAC 0.35675; ESP Exome Variant Server 0.38274; gnomAD 0.40271; 1000 Genomes Project 0.40415; 1000 Genomes Project 30x 0.41255; TOPMed 0.42002.
gnomAD v4.1: 510,632 of 1,577,488 alleles (32%); highest among the groups gnomAD compares: African/African-American, 60%; 87,695 homozygotes.

Submission:

Unidad de Genómica Garrahan, Hospital de Pediatría Garrahan
Classification: Benign. Last evaluated: 2023-11-12. Review status: criteria provided, single submitter. Criteria: ACMG Guidelines, 2015. Collection method: clinical testing. Allele origin: germline. Affected: no. Observed: 66 variant alleles.
Comment: This variant is classified as Benign based on local population frequency. This variant was detected in 69% of patients studied by a panel of primary immunodeficiencies. Number of patients: 66. Only high quality variants are reported.